The following is an entry in ClinVar:

ClinVar aggregate classification (germline): Uncertain significance (1 of 4 stars; one submission).

Conditions:
Inborn genetic diseases. Identifiers: MedGen C0950123, MeSH D030342.

Submission:

Ambry Genetics
Classification: Uncertain significance for Inborn genetic diseases. Last evaluated: 2025-08-01. Review status: criteria provided, single submitter. Criteria: Ambry Variant Classification Scheme 2023. Collection method: clinical testing. Allele origin: germline.
Comment: The p.P304T variant (also known as c.910C>A), located in coding exon 9 of the RTEL1 gene, results from a C to A substitution at nucleotide position 910. The proline at codon 304 is replaced by threonine, an amino acid with highly similar properties. This amino acid position is conserved. In addition, this alteration is predicted to be tolerated by in silico analysis. Based on the available evidence, the clinical significance of this variant remains unclear.

NM_001283009.2(RTEL1):c.910C>A (p.Pro304Thr)

Genes: RTEL1 (regulator of telomere elongation helicase 1; plus strand), RTEL1-TNFRSF6B (RTEL1-TNFRSF6B readthrough (NMD candidate); plus strand). Cytogenetic location: 20q13.33.
Variant type: single nucleotide variant.
Coding change: c.910C>A on transcript NM_001283009.2 (MANE Select); coding-DNA position 910, C replaced by A.
Protein change: p.Pro304Thr; replaces proline 304 with threonine.
Molecular consequence: missense variant. On other transcripts: non-coding transcript variant (1).
Genome position (GRCh38, 1-based): chr20:63,674,084, C>A. VCF-style: chr20-63674084-C-A. GRCh37 (hg19) VCF-style: chr20-62305437-C-A.
Other names: c.241C>A, p.Pro81Thr (NM_001283010.1); c.910C>A, p.Pro304Thr (NM_016434.4); c.982C>A, p.Pro328Thr (NM_032957.5); short protein forms P328T, P304T, P81T.
Identifiers: ClinVar variation 4157628 (VCV004157628.1).
Genomic context (GRCh38, chr20:63,674,084, plus strand): 5'-GAGGAGCAGACCAAGGCAGCGCAGCAGGGTGAGCCCCACCCGGAGTTCAGCGCGGACTCC[C>A]CCAGCCCAGGTGCGTTCATAGCCAGACTGCTTGGTCCTGAGGCCTGCGCTGCTGCAGGGT-3'
Protein context (NP_001269938.1, residues 294-314): EPHPEFSADS[Pro304Thr]SPGLNMELED